The following is an entry in ClinVar:

NM_021930.6(RINT1):c.2128C>G (p.Arg710Gly)

Genes: EFCAB10 (EF-hand calcium binding domain 10; minus strand), RINT1 (RAD50 interactor 1; plus strand). Cytogenetic location: 7q22.3.
Variant type: single nucleotide variant.
Coding change: c.2128C>G on transcript NM_021930.6 (MANE Select); coding-DNA position 2128, C replaced by G.
Protein change: p.Arg710Gly; replaces arginine 710 with glycine.
Molecular consequence: missense variant. On other transcripts: non-coding transcript variant (1), intron variant (2).
Genome position (GRCh38, 1-based): chr7:105,565,590, C>G. VCF-style: chr7-105565590-C-G. GRCh37 (hg19) VCF-style: chr7-105206037-C-G.
Other names: c.409G>C, p.Glu137Gln (NM_001355530.2); c.1894C>G, p.Arg632Gly (NM_001346599.2); c.1105C>G, p.Arg369Gly (NM_001346600.2, NM_001346603.2); c.1204C>G, p.Arg402Gly (NM_001346601.2); c.360-143G>C (NM_001355531.2); c.384-143G>C (NM_001355526.2); short protein forms R632G, E137Q, R369G, R402G, R710G.
Identifiers: ClinVar variation 2447125 (VCV002447125.3), dbSNP rs777291719, ClinGen allele CA368815191.

ClinVar aggregate classification (germline): Uncertain significance (1 of 4 stars; one submission).

gnomAD v4.1: 5 of 1,613,760 alleles (0.00031%); highest among the groups gnomAD compares: Non-Finnish European, 0.00042%; no homozygotes.

Submission:

Ambry Genetics
Classification: Uncertain significance. Last evaluated: 2025-03-10. Review status: criteria provided, single submitter. Criteria: Ambry Variant Classification Scheme 2023. Collection method: clinical testing. Allele origin: germline.
Comment: The p.R710G variant (also known as c.2128C>G), located in coding exon 14 of the RINT1 gene, results from a C to G substitution at nucleotide position 2128. The arginine at codon 710 is replaced by glycine, an amino acid with dissimilar properties. This amino acid position is conserved. In addition, this alteration is predicted to be deleterious by in silico analysis. Since supporting evidence is limited at this time, the clinical significance of this alteration remains unclear.